The following is an entry in ClinVar:

ClinVar aggregate classification (germline): Benign (0 of 4 stars; one submission).

Conditions:
MYO7B-related disorder. Also called: MYO7B-related condition.

Allele frequency attached by ClinVar (database versions not stated): 1000 Genomes Project 30x 0.04716; 1000 Genomes Project 0.04932; TOPMed 0.07502; gnomAD 0.08268; ESP Exome Variant Server 0.08684; gnomAD exomes 0.09766; ExAC 0.10205.
gnomAD v4.1: 154,430 of 1,608,086 alleles (9.6%); highest among the groups gnomAD compares: Middle Eastern, 13%; 8,183 homozygotes.

Submission:

PreventionGenetics, part of Exact Sciences
Classification: Benign for MYO7B-related condition. Last evaluated: 2019-11-27. Review status: no assertion criteria provided. Collection method: clinical testing. Allele origin: germline.
Comment: This variant is classified as benign based on ACMG/AMP sequence variant interpretation guidelines (Richards et al. 2015 PMID: 25741868, with internal and published modifications).

NM_001393586.1(MYO7B):c.5714-7C>T

Gene: MYO7B (myosin VIIB; plus strand). Cytogenetic location: 2q14.3.
Variant type: single nucleotide variant.
Coding change: c.5714-7C>T on transcript NM_001393586.1 (MANE Select); 7 bases into the intron before coding-DNA position 5714, C replaced by T.
Molecular consequence: intron variant.
Genome position (GRCh38, 1-based): chr2:127,635,113, C>T. VCF-style: chr2-127635113-C-T. GRCh37 (hg19) VCF-style: chr2-128392688-C-T.
Other names: c.5636-7C>T (NM_001080527.2); c.2195-7C>T (NM_001393594.1).
Identifiers: ClinVar variation 3056212 (VCV003056212.2), dbSNP rs13391954, ClinGen allele CA1862394.